The following is an entry in ClinVar:

Conditions:
Breast-ovarian cancer, familial, susceptibility to, 1 (BROVCA1). Also called: BRCA1 Hereditary Breast and Ovarian Cancer; OVARIAN CANCER, SUSCEPTIBILITY TO. Identifiers: Orphanet 145, MedGen C2676676, MONDO:0011450, OMIM 604370. Disease mechanism: loss of function.

Submission:

Brotman Baty Institute, University of Washington
No classification provided (evidence only). Condition: Breast-ovarian cancer, familial 1. Review status: no classification provided. Collection method: in vitro. Allele origin: not applicable. Functional consequence: functionally_normal.
ClinVar note: "not provided" was previously submitted as the classification for the variant. However, the classification appeared to be based only on an observation of functional data so it was converted to no classification on 2025-07-30.

NM_007294.4(BRCA1):c.4952C>A (p.Ser1651Tyr)

Gene: BRCA1 (BRCA1 DNA repair associated; minus strand). Cytogenetic location: 17q21.31.
Variant type: single nucleotide variant.
Coding change: c.4952C>A on transcript NM_007294.4 (MANE Select); coding-DNA position 4952, C replaced by A.
Protein change: p.Ser1651Tyr; replaces serine 1651 with tyrosine.
Molecular consequence: missense variant. On other transcripts: non-coding transcript variant (1).
Genome position (GRCh38, 1-based): chr17:43,070,962, G>T on the plus strand (C>A on the coding strand, the complement: BRCA1 is on the minus strand). VCF-style: chr17-43070962-G-T. GRCh37 (hg19) VCF-style: chr17-41222979-G-T.
Other names: c.4739C>A, p.Ser1580Tyr (NM_001407571.1, NM_001407894.1, NM_001407908.1 and 12 more transcripts); c.5018C>A, p.Ser1673Tyr (NM_001407581.1, NM_001407582.1); c.5015C>A, p.Ser1672Tyr (NM_001407583.1, NM_001407585.1, NM_001407587.1 and 1 more transcripts); c.5012C>A, p.Ser1671Tyr (NM_001407590.1, NM_001407591.1); c.4952C>A, p.Ser1651Tyr (NM_001407593.1, NM_001407594.1, NM_001407596.1 and 8 more transcripts); c.4949C>A, p.Ser1650Tyr (NM_001407615.1, NM_001407616.1, NM_001407617.1 and 17 more transcripts); c.4946C>A, p.Ser1649Tyr (NM_001407634.1, NM_001407635.1, NM_001407636.1 and 14 more transcripts); c.4871C>A, p.Ser1624Tyr (NM_001407656.1, NM_001407657.1, NM_001407658.1); and 70 more; short protein forms S1604Y, S1672Y, S1651Y, S547Y, S1354Y, S1540Y, S1562Y, S1631Y.
Identifiers: ClinVar variation 865720 (VCV000865720.3), dbSNP rs80356938, ClinGen allele CA10591618.
Genomic context (GRCh38, chr17:43,070,962, plus strand): 5'-AGGGAGATACATATGGATACACTCACAAATTCTTCTGGGGTCAGGCCAGACACCACCATG[G>T]ACATTCTTTTGTTGACCCTTTCTGTTGAAGCTGTCAATTCTGGCTTCTCCCTGCTCACAC-3'
Protein context (NP_009225.1, residues 1641-1661): ASTERVNKRM[Ser1651Tyr]MVVSGLTPEE